The following is an entry in ClinVar:

NM_000070.3(CAPN3):c.334A>G (p.Ile112Val)

Gene: CAPN3 (calpain 3; plus strand). Cytogenetic location: 15q15.1.
Variant type: single nucleotide variant.
Coding change: c.334A>G on transcript NM_000070.3 (MANE Select); coding-DNA position 334, A replaced by G.
Protein change: p.Ile112Val; replaces isoleucine 112 with valine.
Molecular consequence: missense variant.
Genome position (GRCh38, 1-based): chr15:42,384,507, A>G. VCF-style: chr15-42384507-A-G. GRCh37 (hg19) VCF-style: chr15-42676705-A-G.
Other names: c.334A>G, p.Ile112Val (NM_024344.2, NM_173087.2); c.73A>G, p.Ile25Val (NM_212464.2, NM_212467.2); short protein forms I112V, I25V.
Identifiers: ClinVar variation 2909592 (VCV002909592.3), dbSNP rs2053334608, ClinGen allele CA391997355.

ClinVar aggregate classification (germline): Uncertain significance (1 of 4 stars; one submission).

Conditions:
Autosomal recessive limb-girdle muscular dystrophy type 2A (LGMDR1). Also called: Limb-girdle muscular dystrophy, type 2A; Calpainopathy; Muscular dystrophy, limb-girdle, type 2A, Amish; LEYDEN-MOEBIUS MUSCULAR DYSTROPHY; MUSCULAR DYSTROPHY, PELVOFEMORAL. Identifiers: Orphanet 267, MedGen C1869123, MONDO:0009675, OMIM 253600. Disease mechanism: loss of function.

Allele frequency attached by ClinVar (database versions not stated): gnomAD exomes below 0.00001; gnomAD 0.00001; TOPMed 0.00001.
gnomAD v4.1: 4 of 1,613,874 alleles (0.00025%); highest among the groups gnomAD compares: African/African-American, 0.004%; no homozygotes.

Submission:

Labcorp Genetics (formerly Invitae), Labcorp
Classification: Uncertain significance for Autosomal recessive limb-girdle muscular dystrophy type 2A. Last evaluated: 2023-11-08. Review status: criteria provided, single submitter. Criteria: Invitae Variant Classification Sherloc (09022015). Collection method: clinical testing. Allele origin: germline.
Comment: This sequence change replaces isoleucine, which is neutral and non-polar, with valine, which is neutral and non-polar, at codon 112 of the CAPN3 protein (p.Ile112Val). This variant is not present in population databases (gnomAD no frequency). This missense change has been observed in individual(s) with limb-girdle muscular dystrophy (PMID: 34355366). Advanced modeling of protein sequence and biophysical properties (such as structural, functional, and spatial information, amino acid conservation, physicochemical variation, residue mobility, and thermodynamic stability) performed at Invitae indicates that this missense variant is not expected to disrupt CAPN3 protein function with a negative predictive value of 80%. In summary, the available evidence is currently insufficient to determine the role of this variant in disease. Therefore, it has been classified as a Variant of Uncertain Significance.

Literature cited by the submitters: PubMed 34355366.